The following is an entry in ClinVar:

ClinVar aggregate classification (germline): Conflicting classifications of pathogenicity. Review status: criteria provided, conflicting classifications (1 of 4 stars). 4 submissions from 4 submitters: Uncertain significance (2); Likely benign (2). Last evaluated 2026-03-18.

Conditions:
TTN-related disorder. Also called: TTN-related condition; TTN-related disease; TTN-related disorders.
Dilated cardiomyopathy 1G (CMD1G). Identifiers: Orphanet 154, MedGen C1858763, MONDO:0011400, OMIM 604145.
Autosomal recessive limb-girdle muscular dystrophy type 2J (LGMDR10). Also called: Limb-girdle muscular dystrophy, type 2J; MUSCULAR DYSTROPHY, LIMB-GIRDLE, AUTOSOMAL RECESSIVE 10. Identifiers: Orphanet 140922, MedGen C1837342, MONDO:0012127, OMIM 608807.
Cardiovascular phenotype. Identifiers: MedGen CN230736.

Allele frequency attached by ClinVar (database versions not stated): gnomAD exomes 0.00001 and 0.00003; ExAC 0.00004; TOPMed 0.00005; ESP Exome Variant Server 0.00008; 1000 Genomes Project 30x 0.00016; 1000 Genomes Project 0.00020.
gnomAD v4.1: 15 of 1,614,176 alleles (0.00093%); highest among the groups gnomAD compares: African/African-American, 0.013%; no homozygotes.

Submissions (4):

PreventionGenetics, part of Exact Sciences
Classification: Uncertain significance for TTN-related condition. Last evaluated: 2026-03-18. Review status: criteria provided, single submitter. Criteria: ACMG Guidelines, 2015. Collection method: clinical testing. Allele origin: germline.
Comment: The TTN c.485T>A variant is predicted to result in the amino acid substitution p.Leu162Gln. To our knowledge, this variant has not been reported in the literature. This variant is reported in 0.028% of alleles in individuals of African descent in gnomAD. At this time, the clinical significance of this variant is uncertain due to the absence of conclusive functional and genetic evidence.

GeneDx
Classification: Likely benign. Last evaluated: 2020-09-17. Review status: criteria provided, single submitter. Criteria: GeneDx Variant Classification Process June 2021. Collection method: clinical testing. Allele origin: germline. Affected: yes.

Ambry Genetics
Classification: Likely benign for Cardiovascular phenotype. Last evaluated: 2020-09-09. Review status: criteria provided, single submitter. Criteria: Ambry Variant Classification Scheme 2023. Collection method: clinical testing. Allele origin: germline.

Labcorp Genetics (formerly Invitae), Labcorp
Classification: Uncertain significance for Dilated cardiomyopathy 1G; Autosomal recessive limb-girdle muscular dystrophy type 2J. Last evaluated: 2017-12-26. Review status: criteria provided, single submitter. Criteria: Invitae Variant Classification Sherloc (09022015). Collection method: clinical testing. Allele origin: germline.

NM_001267550.2(TTN):c.485T>A (p.Leu162Gln)

Gene: TTN (titin; minus strand). Cytogenetic location: 2q31.2.
Variant type: single nucleotide variant.
Coding change: c.485T>A on transcript NM_001267550.2 (MANE Select); coding-DNA position 485, T replaced by A.
Protein change: p.Leu162Gln; replaces leucine 162 with glutamine.
Molecular consequence: missense variant.
Genome position (GRCh38, 1-based): chr2:178,800,493, A>T on the plus strand (T>A on the coding strand, the complement: TTN is on the minus strand). VCF-style: chr2-178800493-A-T. GRCh37 (hg19) VCF-style: chr2-179665220-A-T.
Other names: p.L162Q:CTG>CAG; c.485T>A, p.Leu162Gln (NM_001256850.1, NM_003319.4, NM_133378.4 and 3 more transcripts); short protein forms L162Q.
Identifiers: ClinVar variation 203248 (VCV000203248.10), dbSNP rs145438758, ClinGen allele CA311804.
Genomic context (GRCh38, chr2:178,800,493, plus strand): 5'-ACGCTATTGGTGGCATTTACTGAATAGGTCCCTGAGTCCTCAGGGTATGCTTCTGCAATC[A>T]GTAAGCTGTAGAGGTCGCCTTCTTGTGAAATTTGGAAATCAAGGGAGCTCTGGATTTCGG-3'
Protein context (NP_001254479.2, residues 152-172): ISQEGDLYSL[Leu162Gln]IAEAYPEDSG